The following is an entry in ClinVar:

ClinVar aggregate classification (germline): Likely benign. Review status: criteria provided, multiple submitters, no conflicts (2 of 4 stars). 2 submissions from 2 submitters: Likely benign (2). Last evaluated 2025-12-05.

Conditions:
Inborn genetic diseases. Identifiers: MedGen C0950123, MeSH D030342.
SLC4A3-related disorder. Also called: SLC4A3-related condition.

gnomAD v4.1: 29 of 1,613,642 alleles (0.0018%); highest among the groups gnomAD compares: African/African-American, 0.028%; no homozygotes.

Submissions (2):

PreventionGenetics, part of Exact Sciences
Classification: Likely benign for SLC4A3-related condition. Last evaluated: 2025-12-05. Review status: criteria provided, single submitter. Criteria: ACMG Guidelines, 2015. Collection method: clinical testing. Allele origin: germline.
Comment: This variant is classified as likely benign based on ACMG/AMP sequence variant interpretation guidelines (Richards et al. 2015 PMID: 25741868, with internal and published modifications).

Ambry Genetics
Classification: Likely benign for Inborn genetic diseases. Last evaluated: 2025-05-03. Review status: criteria provided, single submitter. Criteria: Ambry Variant Classification Scheme 2023. Collection method: clinical testing. Allele origin: germline.

NM_005070.4(SLC4A3):c.2217C>T (p.Gly739=)

Gene: SLC4A3 (solute carrier family 4 member 3; plus strand). Cytogenetic location: 2q35.
Variant type: single nucleotide variant.
Coding change: c.2217C>T on transcript NM_005070.4 (MANE Select); coding-DNA position 2217, C replaced by T.
Protein change: p.Gly739=; no amino-acid change (glycine 739 retained).
Molecular consequence: synonymous variant. On other transcripts: non-coding transcript variant (1).
Genome position (GRCh38, 1-based): chr2:219,636,327, C>T. VCF-style: chr2-219636327-C-T. GRCh37 (hg19) VCF-style: chr2-220501049-C-T.
Other names: c.2298C>T, p.Gly766= (NM_001326559.2, NM_201574.3).
Identifiers: ClinVar variation 3957228 (VCV003957228.2).
Genomic context (GRCh38, chr2:219,636,327, plus strand): 5'-GCCAGGCTAGGGCCATCCTACCCGTGCTATGGCAGGAGAGAAGACCGAGGGGCTGATGGG[C>T]GTGTCCGAGCTGATCGTGTCCACCGCTGTGCTCGGCGTCCTCTTCTCTCTGCTGGGAGCT-3'
Protein context (NP_005061.3, residues 729-749): LLGEKTEGLM[Gly739=]VSELIVSTAV